The following is an entry in ClinVar:

ClinVar aggregate classification (germline): Uncertain significance (1 of 4 stars; one submission).

Allele frequency attached by ClinVar (database versions not stated): gnomAD exomes 0.00002 and 0.00008; ExAC 0.00004; gnomAD 0.00021 and 0.00022; TOPMed 0.00026.

Submission:

Labcorp Genetics (formerly Invitae), Labcorp
Classification: Uncertain significance. Last evaluated: 2021-07-14. Review status: criteria provided, single submitter. Criteria: Invitae Variant Classification Sherloc (09022015). Collection method: clinical testing. Allele origin: germline.
Comment: In summary, the available evidence is currently insufficient to determine the role of this variant in disease. Therefore, it has been classified as a Variant of Uncertain Significance. Algorithms developed to predict the effect of sequence changes on RNA splicing suggest that this variant may create or strengthen a splice site. This sequence change replaces methionine with valine at codon 1351 of the VPS13C protein (p.Met1351Val). The methionine residue is weakly conserved and there is a small physicochemical difference between methionine and valine. This variant is present in population databases (rs770563432, ExAC 0.04%). This variant has not been reported in the literature in individuals affected with VPS13C-related conditions. Algorithms developed to predict the effect of missense changes on protein structure and function output the following: SIFT: "Tolerated"; PolyPhen-2: "Benign"; Align-GVGD: "Class C0". The valine amino acid residue is found in multiple mammalian species, which suggests that this missense change does not adversely affect protein function.

NM_020821.3(VPS13C):c.4051A>G (p.Met1351Val)

Gene: VPS13C (vacuolar protein sorting 13 homolog C; minus strand). Cytogenetic location: 15q22.2.
Variant type: single nucleotide variant.
Coding change: c.4051A>G on transcript NM_020821.3 (MANE Select); coding-DNA position 4051, A replaced by G.
Protein change: p.Met1351Val; replaces methionine 1351 with valine.
Molecular consequence: missense variant.
Genome position (GRCh38, 1-based): chr15:61,959,453, T>C on the plus strand (A>G on the coding strand, the complement: VPS13C is on the minus strand). VCF-style: chr15-61959453-T-C. GRCh37 (hg19) VCF-style: chr15-62251652-T-C.
Other names: c.4051A>G, p.Met1351Val (NM_001018088.3); c.3922A>G, p.Met1308Val (NM_017684.5, NM_018080.4); short protein forms M1308V, M1351V.
Identifiers: ClinVar variation 1357949 (VCV001357949.8), dbSNP rs770563432, ClinGen allele CA7596233.
Genomic context (GRCh38, chr15:61,959,453, plus strand): 5'-GTCTTTGGAGTTTAAAATTTCAACAATGAAGTTTTTTCTTCACTCATATACTTACATTCA[T>C]TGAATCAAGATGTCCTTTAATTTCCACAACAGGCACCTTGTGGTACCAAGATGCAGCTAG-3'
Protein context (NP_065872.1, residues 1341-1361): VVEIKGHLDS[Met1351Val]NVSLNQEDLN